The following is an entry in ClinVar:

ClinVar aggregate classification (germline): Uncertain significance (1 of 4 stars; one submission).

Conditions:
Lethal multiple pterygium syndrome (LMPS). Identifiers: Orphanet 33108, MedGen C1854678, MONDO:0009668, OMIM 253290.

Allele frequency attached by ClinVar (database versions not stated): TOPMed 0.00001.

Submission:

Labcorp Genetics (formerly Invitae), Labcorp
Classification: Uncertain significance for Lethal multiple pterygium syndrome. Last evaluated: 2025-09-10. Review status: criteria provided, single submitter. Criteria: Invitae Variant Classification Sherloc (09022015). Collection method: clinical testing. Allele origin: germline.
Comment: This sequence change replaces asparagine, which is neutral and polar, with isoleucine, which is neutral and non-polar, at codon 23 of the CHRND protein (p.Asn23Ile). This variant is not present in population databases (gnomAD no frequency). This variant has not been reported in the literature in individuals affected with CHRND-related conditions. ClinVar contains an entry for this variant (Variation ID: 1351399). Invitae Evidence Modeling of protein sequence and biophysical properties (such as structural, functional, and spatial information, amino acid conservation, physicochemical variation, residue mobility, and thermodynamic stability) has been performed for this missense variant. However, the output from this modeling did not meet the statistical confidence thresholds required to predict the impact of this variant on CHRND protein function. In summary, the available evidence is currently insufficient to determine the role of this variant in disease. Therefore, it has been classified as a Variant of Uncertain Significance.

NM_000751.3(CHRND):c.68A>T (p.Asn23Ile)

Gene: CHRND (cholinergic receptor nicotinic delta subunit; plus strand). Cytogenetic location: 2q37.1.
Variant type: single nucleotide variant.
Coding change: c.68A>T on transcript NM_000751.3 (MANE Select); coding-DNA position 68, A replaced by T.
Protein change: p.Asn23Ile; replaces asparagine 23 with isoleucine.
Molecular consequence: missense variant. On other transcripts: 5 prime UTR variant (2).
Genome position (GRCh38, 1-based): chr2:232,526,544, A>T. VCF-style: chr2-232526544-A-T. GRCh37 (hg19) VCF-style: chr2-233391254-A-T.
Other names: c.68A>T, p.Asn23Ile (NM_001256657.2); c.-204A>T (NM_001311195.2, NM_001311196.2); short protein forms N23I.
Identifiers: ClinVar variation 1351399 (VCV001351399.6), dbSNP rs1691474796, ClinGen allele CA350995800.
Genomic context (GRCh38, chr2:232,526,544, plus strand): 5'-CCCTGCCCAGGGCCCCATTCAGTCCTTGTCGCTGACCCTCCCCAGGCAGCTGGGGGCTGA[A>T]CGAGGAGGAGCGGCTGATCCGGCACCTGTTTCAAGAGAAGGGCTACAACAAGGAGCTCCG-3'
Protein context (NP_000742.1, residues 13-33): ALAVCGSWGL[Asn23Ile]EEERLIRHLF